The following is an entry in ClinVar:

ClinVar aggregate classification (germline): Uncertain significance (1 of 4 stars; one submission).

Submission:

GeneDx
Classification: Uncertain significance. Last evaluated: 2022-07-27. Review status: criteria provided, single submitter. Criteria: GeneDx Variant Classification Process June 2021. Collection method: clinical testing. Allele origin: germline. Affected: yes.
Comment: Not observed at significant frequency in large population cohorts (gnomAD); Canonical splice site variant in a gene or region of a gene for which loss of function is not a well-established mechanism of disease; Has not been previously published as pathogenic or benign to our knowledge

NM_001394062.1(MACF1):c.1509-2A>G

Gene: MACF1 (microtubule actin crosslinking factor 1; plus strand). Cytogenetic location: 1p34.3.
Variant type: single nucleotide variant.
Coding change: c.1509-2A>G on transcript NM_001394062.1 (MANE Select); the canonical splice acceptor site of the intron before coding-DNA position 1509, A replaced by G.
Molecular consequence: splice acceptor variant.
Genome position (GRCh38, 1-based): chr1:39,287,284, A>G. VCF-style: chr1-39287284-A-G. GRCh37 (hg19) VCF-style: chr1-39752956-A-G.
Other names: c.1524-2A>G (NM_012090.5).
Identifiers: ClinVar variation 2412868 (VCV002412868.4), dbSNP rs2521406815, ClinGen allele CA339759891.
Genomic context (GRCh38, chr1:39,287,284, plus strand): 5'-TTATTTTTAAAAACTATACTATAGATTTAAATCCTTTCCTTTTTTCTCTTCTTCCATTTC[A>G]GGGTCATGCGTCTTCAGGATGAGCTGGTCACCTTGCGTCTAGAGTGTACAAACCTGTACC-3'